The following is an entry in ClinVar:

NM_002519.3(NPAT):c.4111A>G (p.Lys1371Glu)

Gene: NPAT (nuclear protein, coactivator of histone transcription; minus strand). Cytogenetic location: 11q22.3.
Variant type: single nucleotide variant.
Coding change: c.4111A>G on transcript NM_002519.3 (MANE Select); coding-DNA position 4111, A replaced by G.
Protein change: p.Lys1371Glu; replaces lysine 1371 with glutamic acid.
Molecular consequence: missense variant.
Genome position (GRCh38, 1-based): chr11:108,160,975, T>C on the plus strand (A>G on the coding strand, the complement: NPAT is on the minus strand). VCF-style: chr11-108160975-T-C. GRCh37 (hg19) VCF-style: chr11-108031702-T-C.
Other names: c.4132A>G, p.Lys1378Glu (NM_001321307.1); short protein forms K1378E, K1371E.
Identifiers: ClinVar variation 2453756 (VCV002453756.2), dbSNP rs2496693196, ClinGen allele CA382509347.

ClinVar aggregate classification (germline): Uncertain significance (1 of 4 stars; one submission).

Allele frequency attached by ClinVar (database versions not stated): gnomAD exomes below 0.00001.

Submission:

Ambry Genetics
Classification: Uncertain significance. Last evaluated: 2022-12-17. Review status: criteria provided, single submitter. Criteria: Ambry Variant Classification Scheme 2023. Collection method: clinical testing. Allele origin: germline.
Comment: The p.K1371E variant (also known as c.4111A>G), located in coding exon 17 of the NPAT gene, results from an A to G substitution at nucleotide position 4111. The lysine at codon 1371 is replaced by glutamic acid, an amino acid with similar properties. This amino acid position is conserved. In addition, the in silico prediction for this alteration is inconclusive. Since supporting evidence is limited at this time, the clinical significance of this alteration remains unclear.